The following is an entry in ClinVar:

NM_182914.3(SYNE2):c.10947G>A (p.Met3649Ile)

Gene: SYNE2 (spectrin repeat containing nuclear envelope protein 2; plus strand). Cytogenetic location: 14q23.2.
Variant type: single nucleotide variant.
Coding change: c.10947G>A on transcript NM_182914.3 (MANE Select); coding-DNA position 10947, G replaced by A.
Protein change: p.Met3649Ile; replaces methionine 3649 with isoleucine.
Molecular consequence: missense variant.
Genome position (GRCh38, 1-based): chr14:64,076,025, G>A. VCF-style: chr14-64076025-G-A. GRCh37 (hg19) VCF-style: chr14-64542743-G-A.
Other names: c.10947G>A, p.Met3649Ile (NM_015180.6); short protein forms M3649I.
Identifiers: ClinVar variation 568119 (VCV000568119.18), dbSNP rs772140514, ClinGen allele CA7221655.

ClinVar aggregate classification (germline): Conflicting classifications of pathogenicity. Review status: criteria provided, conflicting classifications (1 of 4 stars). 3 submissions from 3 submitters: Uncertain significance (2); Likely benign (1). Last evaluated 2025-12-08.

Conditions:
Emery-Dreifuss muscular dystrophy 5, autosomal dominant (EDMD5). Also called: EMERY-DREIFUSS MUSCULAR DYSTROPHY 5. Identifiers: Orphanet 261, MedGen C2751805, MONDO:0013072, OMIM 612999.

Allele frequency attached by ClinVar (database versions not stated): ExAC 0.00002; gnomAD 0.00003; gnomAD exomes 0.00003 and 0.00009; TOPMed 0.00006.
gnomAD v4.1: 132 of 1,613,790 alleles (0.0082%); highest among the groups gnomAD compares: Non-Finnish European, 0.011%; no homozygotes.

Submissions (3):

Labcorp Genetics (formerly Invitae), Labcorp
Classification: Uncertain significance for Emery-Dreifuss muscular dystrophy 5, autosomal dominant. Last evaluated: 2025-12-08. Review status: criteria provided, single submitter. Criteria: Invitae Variant Classification Sherloc (09022015). Collection method: clinical testing. Allele origin: germline.
Comment: This sequence change replaces methionine, which is neutral and non-polar, with isoleucine, which is neutral and non-polar, at codon 3649 of the SYNE2 protein (p.Met3649Ile). This variant is present in population databases (rs772140514, gnomAD 0.006%). This variant has not been reported in the literature in individuals affected with SYNE2-related conditions. ClinVar contains an entry for this variant (Variation ID: 568119). An algorithm developed to predict the effect of missense changes on protein structure and function (PolyPhen-2) suggests that this variant is likely to be disruptive. In summary, the available evidence is currently insufficient to determine the role of this variant in disease. Therefore, it has been classified as a Variant of Uncertain Significance.

Ambry Genetics
Classification: Uncertain significance. Last evaluated: 2025-02-18. Review status: criteria provided, single submitter. Criteria: Ambry Variant Classification Scheme 2023. Collection method: clinical testing. Allele origin: germline.

Illumina Laboratory Services, Illumina
Classification: Likely benign for Emery-Dreifuss muscular dystrophy 5, autosomal dominant. Last evaluated: 2018-01-12. Review status: criteria provided, single submitter. Criteria: ICSL Variant Classification Criteria 13 December 2019. Collection method: clinical testing. Allele origin: germline.
Comment: This variant was observed in the ICSL laboratory as part of a predisposition screen in an ostensibly healthy population. It had not been previously curated by ICSL or reported in the Human Gene Mutation Database (HGMD: prior to June 1st, 2018), and was therefore a candidate for classification through an automated scoring system. Utilizing variant allele frequency, disease prevalence and penetrance estimates, and inheritance mode, an automated score was calculated to assess if this variant is too frequent to cause the disease. Based on the score and internal cut-off values, a variant classified as likely benign is not then subjected to further curation. The score for this variant resulted in a classification of likely benign for this disease.